The following is an entry in ClinVar:

NM_033026.6(PCLO):c.1874C>G (p.Pro625Arg)

Gene: PCLO (piccolo presynaptic cytomatrix protein; minus strand). Cytogenetic location: 7q21.11.
Variant type: single nucleotide variant.
Coding change: c.1874C>G on transcript NM_033026.6 (MANE Select); coding-DNA position 1874, C replaced by G.
Protein change: p.Pro625Arg; replaces proline 625 with arginine.
Molecular consequence: missense variant.
Genome position (GRCh38, 1-based): chr7:83,154,767, G>C on the plus strand (C>G on the coding strand, the complement: PCLO is on the minus strand). VCF-style: chr7-83154767-G-C. GRCh37 (hg19) VCF-style: chr7-82784083-G-C.
Other names: c.1874C>G, p.Pro625Arg (NM_014510.3); short protein forms P625R.
Identifiers: ClinVar variation 4770363 (VCV004770363.1).
Genomic context (GRCh38, chr7:83,154,767, plus strand): 5'-TATGGCTGAAGAGTATGGACTCAGTGAATAAATGCACTTACCTCCGTTAAATGAGGATTG[G>C]GATTAAAACCACAGAGACTACAGACAGTGGTTTGACACTCAGTGCATGTGTTAAAATTGG-3'
Protein context (NP_149015.2, residues 615-635): TTVCSLCGFN[Pro625Arg]NPHLTEVKEW

ClinVar aggregate classification (germline): Uncertain significance (1 of 4 stars; one submission).

gnomAD v4.1: 1 of 1,613,524 alleles (0.000062%); highest among the groups gnomAD compares: Non-Finnish European, 0.000085%; no homozygotes.

Submission:

Labcorp Genetics (formerly Invitae), Labcorp
Classification: Uncertain significance. Last evaluated: 2025-05-14. Review status: criteria provided, single submitter. Criteria: Invitae Variant Classification Sherloc (09022015). Collection method: clinical testing. Allele origin: germline.
Comment: This sequence change replaces proline, which is neutral and non-polar, with arginine, which is basic and polar, at codon 625 of the PCLO protein (p.Pro625Arg). This variant is not present in population databases (gnomAD no frequency). This variant has not been reported in the literature in individuals affected with PCLO-related conditions. Experimental studies and prediction algorithms are not available or were not evaluated, and the functional significance of this variant is currently unknown. In summary, the available evidence is currently insufficient to determine the role of this variant in disease. Therefore, it has been classified as a Variant of Uncertain Significance.